The following is an entry in ClinVar:

NM_000037.4(ANK1):c.2736-1G>A

Gene: ANK1 (ankyrin 1; minus strand). Cytogenetic location: 8p11.21.
Variant type: single nucleotide variant.
Coding change: c.2736-1G>A on transcript NM_000037.4 (MANE Select); the canonical splice acceptor site of the intron before coding-DNA position 2736, G replaced by A.
Molecular consequence: splice acceptor variant.
Genome position (GRCh38, 1-based): chr8:41,696,588, C>T on the plus strand (G>A on the coding strand, the complement: ANK1 is on the minus strand). VCF-style: chr8-41696588-C-T. GRCh37 (hg19) VCF-style: chr8-41554106-C-T.
Other names: c.2859-1G>A (NM_001142446.2); c.2736-1G>A (NM_020477.3, NM_020475.3, NM_020476.3).
Identifiers: ClinVar variation 280903 (VCV000280903.2), dbSNP rs886042022, ClinGen allele CA10603065.

ClinVar aggregate classification (germline): Pathogenic (1 of 4 stars; one submission).

Submission:

GeneDx
Classification: Pathogenic. Last evaluated: 2018-02-28. Review status: criteria provided, single submitter. Criteria: GeneDx Variant Classification (06012015). Collection method: clinical testing. Allele origin: germline. Affected: yes.
Comment: The c.2736-1G>A pathogenic variant in the ANK1 gene not been reported previously as a pathogenic variant nor as a benign variant, to our knowledge. This splice site variant destroys the canonical splice acceptor site in intron 25. It is predicted to cause abnormal gene splicing resulting in an in-frame protein product with an abnormal message. The c.2736-1G>A variant was not observed in approximately 6500 individuals of European and African American ancestry in the NHLBI Exome Sequencing Project, indicating it is not a common benign variant in these populations. We interpret c.2736-1G>A as a pathogenic variant.